The following is an entry in ClinVar:

ClinVar aggregate classification (germline): Pathogenic (1 of 4 stars; one submission).

Allele frequency attached by ClinVar (database versions not stated): gnomAD exomes below 0.00001.

Submission:

GeneDx
Classification: Pathogenic. Last evaluated: 2020-09-14. Review status: criteria provided, single submitter. Criteria: GeneDx Variant Classification Process June 2021. Collection method: clinical testing. Allele origin: germline. Affected: yes.
Comment: Canonical splice site variant predicted to result in a null allele in a gene for which loss-of-function is a known mechanism of disease; Not observed in large population cohorts (Lek et al., 2016); Has not been previously published as pathogenic or benign to our knowledge

NM_000475.5(NR0B1):c.1168+1G>T

Gene: NR0B1 (nuclear receptor subfamily 0 group B member 1; minus strand). Cytogenetic location: Xp21.2.
Variant type: single nucleotide variant.
Coding change: c.1168+1G>T on transcript NM_000475.5 (MANE Select); the canonical splice donor site of the intron after coding-DNA position 1168, G replaced by T.
Molecular consequence: splice donor variant.
Genome position (GRCh38, 1-based): chrX:30,308,195, C>A on the plus strand (G>T on the coding strand, the complement: NR0B1 is on the minus strand). VCF-style: chrX-30308195-C-A. GRCh37 (hg19) VCF-style: chrX-30326312-C-A.
Identifiers: ClinVar variation 1186881 (VCV001186881.2), dbSNP rs2147006202, ClinGen allele CA412546155.